The following is an entry in ClinVar:

ClinVar aggregate classification (germline): Pathogenic (1 of 4 stars; one submission).

Conditions:
Polycystic kidney disease, adult type (PKD1). Also called: Polycystic Kidney, Autosomal Dominant; POLYCYSTIC KIDNEY DISEASE 1 WITH OR WITHOUT POLYCYSTIC LIVER DISEASE; Polycystic Kidney Disease 1, Autosomal Dominant; Polycystic kidney disease 1; Polycystic kidney disease 1, severe; POLYCYSTIC KIDNEY DISEASE, ADULT, TYPE I. Identifiers: MedGen C3149841, MONDO:0008263, OMIM 173900.

Submission:

MVZ Medizinische Genetik Mainz
Classification: Pathogenic for Polycystic kidney disease, adult type. Last evaluated: 2024-03-08. Review status: criteria provided, single submitter. Criteria: UK Practice Guidelines For Variant Classification V4 01 2020. Collection method: clinical testing. Allele origin: germline. Inheritance: Autosomal dominant inheritance. Affected: yes. Observed: 1 variant allele.
Comment: ACMG Criteria: PVS1,PM2_SUP,PP4

NM_001009944.3(PKD1):c.12570dup (p.Ser4191fs)

Gene: PKD1 (polycystin 1, transient receptor potential channel interacting; minus strand). Cytogenetic location: 16p13.3.
Variant type: Duplication.
Coding change: c.12570dup on transcript NM_001009944.3 (MANE Select); coding-DNA position 12570, one base duplicated (C; older notation c.12570dupC).
Protein change: p.Ser4191fs; shifts the reading frame from serine 4191.
Molecular consequence: frameshift variant.
Genome position (GRCh38, 1-based): chr16:2,090,069, G duplicated on the plus strand (C on the coding strand, the reverse complement: PKD1 is on the minus strand); the first of 2 consecutive G bases (chr16:2,090,069-2,090,070); duplicating either gives the same sequence. VCF-style (leftmost placement, unchanged base first): chr16-2090068-A-AG. GRCh37 (hg19) VCF-style: chr16-2140069-A-AG.
Other names: c.12567dup, p.Ser4190fs (NM_000296.4); short protein forms S4190fs, S4191fs.
Identifiers: ClinVar variation 3066195 (VCV003066195.1), dbSNP rs2544579371, ClinGen allele CA2740097820.